The following is an entry in ClinVar:

NM_017827.4(SARS2):c.364-166G>A

Gene: SARS2 (seryl-tRNA synthetase 2, mitochondrial; minus strand). Cytogenetic location: 19q13.2.
Variant type: single nucleotide variant.
Coding change: c.364-166G>A on transcript NM_017827.4 (MANE Select); 166 bases into the intron before coding-DNA position 364, G replaced by A.
Molecular consequence: intron variant.
Genome position (GRCh38, 1-based): chr19:38,922,433, C>T on the plus strand (G>A on the coding strand, the complement: SARS2 is on the minus strand). VCF-style: chr19-38922433-C-T. GRCh37 (hg19) VCF-style: chr19-39413073-C-T.
Other names: c.364-166G>A (NM_001145901.2).
Identifiers: ClinVar variation 673248 (VCV000673248.1), dbSNP rs59672570, ClinGen allele CA308145519.

ClinVar aggregate classification (germline): Likely benign (1 of 4 stars; one submission).

Allele frequency attached by ClinVar (database versions not stated): 1000 Genomes Project 0.01438; gnomAD 0.01465 and 0.01565; 1000 Genomes Project 30x 0.01530; TOPMed 0.01667.
gnomAD v4.1: 2,214 of 152,278 alleles (1.5%); highest among the groups gnomAD compares: African/African-American, 4.5%; 41 homozygotes.

Submission:

GeneDx
Classification: Likely benign. Last evaluated: 2018-06-14. Review status: criteria provided, single submitter. Criteria: GeneDx Variant Classification (06012015). Collection method: clinical testing. Allele origin: germline. Affected: yes.
Comment: This variant is considered likely benign or benign based on one or more of the following criteria: it is a conservative change, it occurs at a poorly conserved position in the protein, it is predicted to be benign by multiple in silico algorithms, and/or has population frequency not consistent with disease.